The following is an entry in ClinVar:

NM_001261826.3(AP3D1):c.2845G>A (p.Gly949Ser)

Gene: AP3D1 (adaptor related protein complex 3 subunit delta 1; minus strand). Cytogenetic location: 19p13.3.
Variant type: single nucleotide variant.
Coding change: c.2845G>A on transcript NM_001261826.3 (MANE Select); coding-DNA position 2845, G replaced by A.
Protein change: p.Gly949Ser; replaces glycine 949 with serine.
Molecular consequence: missense variant.
Genome position (GRCh38, 1-based): chr19:2,111,771, C>T on the plus strand (G>A on the coding strand, the complement: AP3D1 is on the minus strand). VCF-style: chr19-2111771-C-T. GRCh37 (hg19) VCF-style: chr19-2111770-C-T.
Other names: c.2809G>A, p.Gly937Ser (NM_001374799.1); c.2659G>A, p.Gly887Ser (NM_003938.8); c.2659G>A (NM_003938.5); short protein forms G949S, G887S, G937S.
Identifiers: ClinVar variation 1384496 (VCV001384496.9), dbSNP rs1758321395, ClinGen allele CA403204224.

ClinVar aggregate classification (germline): Uncertain significance. Review status: criteria provided, multiple submitters, no conflicts (2 of 4 stars). 2 submissions from 2 submitters: Uncertain significance (2). Last evaluated 2025-11-13.

Conditions:
Inborn genetic diseases. Identifiers: MedGen C0950123, MeSH D030342.

Allele frequency attached by ClinVar (database versions not stated): gnomAD exomes below 0.00001; TOPMed below 0.00001.
gnomAD v4.1: 8 of 1,613,114 alleles (0.0005%); highest among the groups gnomAD compares: African/African-American, 0.004%; no homozygotes.

Submissions (2):

Labcorp Genetics (formerly Invitae), Labcorp
Classification: Uncertain significance. Last evaluated: 2025-11-13. Review status: criteria provided, single submitter. Criteria: Invitae Variant Classification Sherloc (09022015). Collection method: clinical testing. Allele origin: germline.
Comment: This sequence change replaces glycine, which is neutral and non-polar, with serine, which is neutral and polar, at codon 949 of the AP3D1 protein (p.Gly949Ser). This variant is not present in population databases (gnomAD no frequency). This variant has not been reported in the literature in individuals affected with AP3D1-related conditions. ClinVar contains an entry for this variant (Variation ID: 1384496). An algorithm developed to predict the effect of missense changes on protein structure and function (PolyPhen-2) suggests that this variant is likely to be tolerated. In summary, the available evidence is currently insufficient to determine the role of this variant in disease. Therefore, it has been classified as a Variant of Uncertain Significance.

Ambry Genetics
Classification: Uncertain significance for Inborn genetic diseases. Last evaluated: 2021-09-01. Review status: criteria provided, single submitter. Criteria: Ambry Variant Classification Scheme 2023. Collection method: clinical testing. Allele origin: germline.